The following is an entry in ClinVar:

NM_014491.4(FOXP2):c.555G>A (p.Gln185=)

Gene: FOXP2 (forkhead box P2; plus strand). Cytogenetic location: 7q31.1.
Variant type: single nucleotide variant.
Coding change: c.555G>A on transcript NM_014491.4 (MANE Select); coding-DNA position 555, G replaced by A.
Protein change: p.Gln185=; no amino-acid change (glutamine 185 retained).
Molecular consequence: synonymous variant. On other transcripts: non-coding transcript variant (2).
Genome position (GRCh38, 1-based): chr7:114,629,963, G>A. VCF-style: chr7-114629963-G-A. GRCh37 (hg19) VCF-style: chr7-114270018-G-A.
Other names: c.555G>A, p.Gln185= (NM_001172766.3, NM_148899.3); c.630G>A, p.Gln210= (NM_001172767.2, NM_148898.4); c.606G>A, p.Gln202= (NM_148900.4).
Identifiers: ClinVar variation 4872095 (VCV004872095.2).

ClinVar aggregate classification (germline): Likely benign (1 of 4 stars; one submission).

Submission:

CeGaT Center for Human Genetics Tuebingen
Classification: Likely benign. Last evaluated: 2026-04-01. Review status: criteria provided, single submitter. Criteria: CeGaT Center For Human Genetics Tuebingen Variant Classification Criteria Version 2. Collection method: clinical testing. Allele origin: germline. Affected: yes. Observed: 1 variant allele.
Comment: FOXP2: PM2:Supporting, BP4, BP7